The following is an entry in ClinVar:

ClinVar aggregate classification (germline): Uncertain significance (1 of 4 stars; one submission).

Conditions:
Familial temporal lobe epilepsy 7. Identifiers: Orphanet 101046, MedGen C4225327, MONDO:0014639, OMIM 616436.
Norman-Roberts syndrome (LIS2). Also called: Lissencephaly 2 (Norman-Roberts type). Identifiers: Orphanet 89844, MedGen C0796089, MONDO:0009760, OMIM 257320.

Allele frequency attached by ClinVar (database versions not stated): gnomAD exomes below 0.00001.
gnomAD v4.1: 6 of 1,613,992 alleles (0.00037%); highest among the groups gnomAD compares: Non-Finnish European, 0.00051%; no homozygotes.

Submission:

Labcorp Genetics (formerly Invitae), Labcorp
Classification: Uncertain significance for Familial temporal lobe epilepsy 7; Norman-Roberts syndrome. Last evaluated: 2022-02-28. Review status: criteria provided, single submitter. Criteria: Invitae Variant Classification Sherloc (09022015). Collection method: clinical testing. Allele origin: germline.
Comment: This sequence change replaces histidine, which is basic and polar, with arginine, which is basic and polar, at codon 382 of the RELN protein (p.His382Arg). This variant is present in population databases (rs756299850, gnomAD 0.0009%). This variant has not been reported in the literature in individuals affected with RELN-related conditions. ClinVar contains an entry for this variant (Variation ID: 854185). Algorithms developed to predict the effect of missense changes on protein structure and function are either unavailable or do not agree on the potential impact of this missense change (SIFT: "Deleterious"; PolyPhen-2: "Probably Damaging"; Align-GVGD: "Class C0"). In summary, the available evidence is currently insufficient to determine the role of this variant in disease. Therefore, it has been classified as a Variant of Uncertain Significance.

NM_005045.4(RELN):c.1145A>G (p.His382Arg)

Gene: RELN (reelin; minus strand). Cytogenetic location: 7q22.1.
Variant type: single nucleotide variant.
Coding change: c.1145A>G on transcript NM_005045.4 (MANE Select); coding-DNA position 1145, A replaced by G.
Protein change: p.His382Arg; replaces histidine 382 with arginine.
Molecular consequence: missense variant.
Genome position (GRCh38, 1-based): chr7:103,682,260, T>C on the plus strand (A>G on the coding strand, the complement: RELN is on the minus strand). VCF-style: chr7-103682260-T-C. GRCh37 (hg19) VCF-style: chr7-103322707-T-C.
Other names: c.1145A>G, p.His382Arg (NM_173054.3); short protein forms H382R.
Identifiers: ClinVar variation 854185 (VCV000854185.9), dbSNP rs756299850, ClinGen allele CA4422342.